The following is an entry in ClinVar:

ClinVar aggregate classification (germline): Uncertain significance. Review status: criteria provided, multiple submitters, no conflicts (2 of 4 stars). 2 submissions from 2 submitters: Uncertain significance (2). Last evaluated 2025-10-27.

Conditions:
Inborn genetic diseases. Identifiers: MedGen C0950123, MeSH D030342.
Charcot-Marie-Tooth disease type 2. Also called: Charcot-Marie-Tooth type 2. Identifiers: Orphanet 64746, MedGen C0270914, MONDO:0018993.

Allele frequency attached by ClinVar (database versions not stated): TOPMed 0.00002.
gnomAD v4.1: 37 of 1,613,608 alleles (0.0023%); highest among the groups gnomAD compares: Admixed American, 0.027%; 3 homozygotes.

Submissions (3):

Labcorp Genetics (formerly Invitae), Labcorp
Classification: Uncertain significance for Charcot-Marie-Tooth disease type 2. Last evaluated: 2025-10-27. Review status: criteria provided, single submitter. Criteria: Invitae Variant Classification Sherloc (09022015). Collection method: clinical testing. Allele origin: germline.
Comment: This sequence change replaces serine, which is neutral and polar, with threonine, which is neutral and polar, at codon 321 of the MED25 protein (p.Ser321Thr). This variant is present in population databases (rs377259236, gnomAD 0.01%). This variant has not been reported in the literature in individuals affected with MED25-related conditions. ClinVar contains an entry for this variant (Variation ID: 571779). An algorithm developed to predict the effect of missense changes on protein structure and function (PolyPhen-2) suggests that this variant is likely to be tolerated. In summary, the available evidence is currently insufficient to determine the role of this variant in disease. Therefore, it has been classified as a Variant of Uncertain Significance.

Ambry Genetics
Classification: Uncertain significance for Inborn genetic diseases. Last evaluated: 2025-08-02. Review status: criteria provided, single submitter. Criteria: Ambry Variant Classification Scheme 2023. Collection method: clinical testing. Allele origin: germline.

Dr. Peter K. Rogan Lab, Western University
No classification provided (evidence only). Condition: Gastric cancer. Review status: no classification provided. Collection method: in vitro. Allele origin: not applicable. Functional consequence: retained intron. Not counted in ClinVar's aggregate classification.

NM_030973.4(MED25):c.962G>C (p.Ser321Thr)

Gene: MED25 (mediator complex subunit 25; plus strand). Cytogenetic location: 19q13.33.
Variant type: single nucleotide variant.
Coding change: c.962G>C on transcript NM_030973.4 (MANE Select); coding-DNA position 962, G replaced by C.
Protein change: p.Ser321Thr; replaces serine 321 with threonine.
Molecular consequence: missense variant.
Genome position (GRCh38, 1-based): chr19:49,830,748, G>C. VCF-style: chr19-49830748-G-C. GRCh37 (hg19) VCF-style: chr19-50334005-G-C.
Other names: c.962G>C, p.Ser321Thr (NM_001378355.1); short protein forms S321T.
Identifiers: ClinVar variation 571779 (VCV000571779.11), dbSNP rs377259236, ClinGen allele CA9585101.